The following is an entry in ClinVar:

ClinVar aggregate classification (germline): Conflicting classifications of pathogenicity. Review status: criteria provided, conflicting classifications (1 of 4 stars). 9 submissions from 8 submitters: Uncertain significance (1); Benign (1); Likely benign (7). Last evaluated 2026-01-15.

Conditions:
Charcot-Marie-Tooth disease. Also called: Charcot-Marie-Tooth Hereditary Neuropathy; Charcot-Marie-Tooth Neuropathy. Identifiers: Orphanet 166, MedGen C0007959, MONDO:0015626.
Charcot-Marie-Tooth disease type 2. Also called: Charcot-Marie-Tooth type 2. Identifiers: Orphanet 64746, MedGen C0270914, MONDO:0018993.
Hereditary motor and sensory neuropathy with optic atrophy. Also called: CHARCOT-MARIE-TOOTH DISEASE, TYPE 6; PERIPHERAL NEUROPATHY AND OPTIC ATROPHY. Identifiers: Orphanet 90120, MedGen C0393807, MONDO:0019551.

Allele frequency attached by ClinVar (database versions not stated): ESP Exome Variant Server 0.00031; TOPMed 0.00037; 1000 Genomes Project 0.00120; 1000 Genomes Project 30x 0.00125.
gnomAD v4.1: 370 of 1,614,160 alleles (0.023%); highest among the groups gnomAD compares: Admixed American, 0.12%; 2 homozygotes.

Submissions (9):

Labcorp Genetics (formerly Invitae), Labcorp
Classification: Likely benign for Charcot-Marie-Tooth disease type 2. Last evaluated: 2026-01-15. Review status: criteria provided, single submitter. Criteria: Invitae Variant Classification Sherloc (09022015). Collection method: clinical testing. Allele origin: germline.

Mayo Clinic Laboratories, Mayo Clinic
Classification: Likely benign. Last evaluated: 2025-03-19. Review status: criteria provided, single submitter. Criteria: ACMG Guidelines, 2015. Collection method: clinical testing. Allele origin: germline. Observed: 1 variant allele.
Comment: BS1, BP4, BP7

Blueprint Genetics
Classification: Likely benign. Last evaluated: 2024-11-06. Review status: criteria provided, single submitter. Criteria: ACMG Guidelines, 2015. Collection method: clinical testing. Allele origin: germline.

GeneDx
Classification: Likely benign. Last evaluated: 2021-04-06. Review status: criteria provided, single submitter. Criteria: GeneDx Variant Classification Process June 2021. Collection method: clinical testing. Allele origin: germline. Affected: yes.

Illumina Laboratory Services, Illumina
Classification: Benign for Neuropathy, hereditary motor and sensory, type 6A. Last evaluated: 2018-01-12. Review status: criteria provided, single submitter. Criteria: ICSL Variant Classification Criteria 13 December 2019. Collection method: clinical testing. Allele origin: germline.
Comment: This variant was observed in the ICSL laboratory as part of a predisposition screen in an ostensibly healthy population. It had not been previously curated by ICSL or reported in the Human Gene Mutation Database (HGMD: prior to June 1st, 2018), and was therefore a candidate for classification through an automated scoring system. Utilizing variant allele frequency, disease prevalence and penetrance estimates, and inheritance mode, an automated score was calculated to assess if this variant is too frequent to cause the disease. Based on the score and internal cut-off values, a variant classified as benign is not then subjected to further curation. The score for this variant resulted in a classification of benign for this disease.

Illumina Laboratory Services, Illumina
Classification: Likely benign for Charcot-Marie-Tooth disease, type 2. Last evaluated: 2018-01-12. Review status: criteria provided, single submitter. Criteria: ICSL Variant Classification Criteria 13 December 2019. Collection method: clinical testing. Allele origin: germline.
Comment: This variant was observed in the ICSL laboratory as part of a predisposition screen in an ostensibly healthy population. It had not been previously curated by ICSL or reported in the Human Gene Mutation Database (HGMD: prior to June 1st, 2018), and was therefore a candidate for classification through an automated scoring system. Utilizing variant allele frequency, disease prevalence and penetrance estimates, and inheritance mode, an automated score was calculated to assess if this variant is too frequent to cause the disease. Based on the score and internal cut-off values, a variant classified as likely benign is not then subjected to further curation. The score for this variant resulted in a classification of likely benign for this disease.

Eurofins Ntd Llc (ga)
Classification: Uncertain significance. Last evaluated: 2017-08-09. Review status: criteria provided, single submitter. Criteria: EGL Classification Definitions 2015. Collection method: clinical testing. Allele origin: germline. Observed: 2 variant alleles, 2 heterozygotes.

Athena Diagnostics
Classification: Likely benign. Last evaluated: 2016-09-14. Review status: criteria provided, single submitter. Criteria: Athena Diagnostics Criteria. Collection method: clinical testing. Allele origin: germline.

Molecular Genetics Laboratory, London Health Sciences Centre
Classification: Likely benign for Charcot-Marie-Tooth disease. Review status: criteria provided, single submitter. Criteria: ACMG Guidelines, 2015. Collection method: clinical testing. Allele origin: germline. Affected: yes.

NM_014874.4(MFN2):c.1920C>G (p.Leu640=)

Gene: MFN2 (mitofusin 2; plus strand). Cytogenetic location: 1p36.22.
Variant type: single nucleotide variant.
Coding change: c.1920C>G on transcript NM_014874.4 (MANE Select); coding-DNA position 1920, C replaced by G.
Protein change: p.Leu640=; no amino-acid change (leucine 640 retained).
Molecular consequence: synonymous variant.
Genome position (GRCh38, 1-based): chr1:12,007,100, C>G. VCF-style: chr1-12007100-C-G. GRCh37 (hg19) VCF-style: chr1-12067157-C-G.
Other names: p.Leu640=; c.1920C>G, p.Leu640= (NM_001127660.2).
Identifiers: ClinVar variation 219952 (VCV000219952.25), dbSNP rs141468012, ClinGen allele CA350366.